The following is an entry in ClinVar:

ClinVar aggregate classification (germline): Uncertain significance (1 of 4 stars; one submission).

Submission:

GeneDx
Classification: Uncertain significance. Last evaluated: 2025-03-13. Review status: criteria provided, single submitter. Criteria: GeneDx Variant Classification Process June 2021. Collection method: clinical testing. Allele origin: germline. Affected: yes.
Comment: Not observed at significant frequency in large population cohorts (gnomAD); In silico analysis supports that this missense variant has a deleterious effect on protein structure/function; Has not been previously published as pathogenic or benign to our knowledge

NM_001374675.1(HSF4):c.53C>T (p.Pro18Leu)

Gene: HSF4 (heat shock transcription factor 4; plus strand). Cytogenetic location: 16q22.1.
Variant type: single nucleotide variant.
Coding change: c.53C>T on transcript NM_001374675.1 (MANE Select); coding-DNA position 53, C replaced by T.
Protein change: p.Pro18Leu; replaces proline 18 with leucine.
Molecular consequence: missense variant.
Genome position (GRCh38, 1-based): chr16:67,164,864, C>T. VCF-style: chr16-67164864-C-T. GRCh37 (hg19) VCF-style: chr16-67198767-C-T.
Other names: c.53C>T, p.Pro18Leu (NM_001040667.3, NM_001374674.1, NM_001538.4); short protein forms P18L.
Identifiers: ClinVar variation 4083379 (VCV004083379.1).
Genomic context (GRCh38, chr16:67,164,864, plus strand): 5'-ACTGCACCATGCAGGAAGCGCCAGCTGCGCTGCCCACGGAGCCAGGCCCCAGCCCCGTGC[C>T]TGCCTTCCTCGGCAAGCTATGGGCGCTGGTGGGGGACCCAGGCACAGACCACCTGATCCG-3'
Protein context (NP_001361604.1, residues 8-28): LPTEPGPSPV[Pro18Leu]AFLGKLWALV